The following is an entry in ClinVar:

ClinVar aggregate classification (germline): Uncertain significance (1 of 4 stars; one submission).

Submission:

Labcorp Genetics (formerly Invitae), Labcorp
Classification: Uncertain significance. Last evaluated: 2025-08-10. Review status: criteria provided, single submitter. Criteria: Invitae Variant Classification Sherloc (09022015). Collection method: clinical testing. Allele origin: germline.
Comment: This sequence change replaces methionine, which is neutral and non-polar, with threonine, which is neutral and polar, at codon 2468 of the KMT2A protein (p.Met2468Thr). This variant is not present in population databases (gnomAD no frequency). This variant has not been reported in the literature in individuals affected with KMT2A-related conditions. Invitae Evidence Modeling of protein sequence and biophysical properties (such as structural, functional, and spatial information, amino acid conservation, physicochemical variation, residue mobility, and thermodynamic stability) indicates that this missense variant is not expected to disrupt KMT2A protein function with a negative predictive value of 95%. In summary, the available evidence is currently insufficient to determine the role of this variant in disease. Therefore, it has been classified as a Variant of Uncertain Significance.

NM_001197104.2(KMT2A):c.7403T>C (p.Met2468Thr)

Gene: KMT2A (lysine methyltransferase 2A; plus strand). Cytogenetic location: 11q23.3.
Variant type: single nucleotide variant.
Coding change: c.7403T>C on transcript NM_001197104.2 (MANE Select); coding-DNA position 7403, T replaced by C.
Protein change: p.Met2468Thr; replaces methionine 2468 with threonine.
Molecular consequence: missense variant.
Genome position (GRCh38, 1-based): chr11:118,503,295, T>C. VCF-style: chr11-118503295-T-C. GRCh37 (hg19) VCF-style: chr11-118374010-T-C.
Other names: c.7493T>C, p.Met2498Thr (NM_001412597.1); c.7394T>C, p.Met2465Thr (NM_005933.4); short protein forms M2465T, M2468T, M2498T.
Identifiers: ClinVar variation 4772743 (VCV004772743.1).